The following is an entry in ClinVar:

ClinVar aggregate classification (germline): Uncertain significance (1 of 4 stars; one submission).

Submission:

CeGaT Center for Human Genetics Tuebingen
Classification: Uncertain significance. Last evaluated: 2024-09-01. Review status: criteria provided, single submitter. Criteria: CeGaT Center For Human Genetics Tuebingen Variant Classification Criteria Version 2. Collection method: clinical testing. Allele origin: germline. Affected: yes. Observed: 1 variant allele.
Comment: PDE3A: PM2

NM_000921.5(PDE3A):c.2514T>A (p.Tyr838Ter)

Gene: PDE3A (phosphodiesterase 3A; plus strand). Cytogenetic location: 12p12.2.
Variant type: single nucleotide variant.
Coding change: c.2514T>A on transcript NM_000921.5 (MANE Select); coding-DNA position 2514, T replaced by A.
Protein change: p.Tyr838Ter; replaces tyrosine 838 with a stop codon.
Molecular consequence: nonsense.
Genome position (GRCh38, 1-based): chr12:20,646,899, T>A. VCF-style: chr12-20646899-T-A. GRCh37 (hg19) VCF-style: chr12-20799833-T-A.
Other names: c.1548T>A, p.Tyr516Ter (NM_001244683.2, NM_001378409.1); c.2208T>A, p.Tyr736Ter (NM_001378407.1); c.1551T>A, p.Tyr517Ter (NM_001378408.1); short protein forms Y516*, Y517*, Y736*, Y838*.
Identifiers: ClinVar variation 3389561 (VCV003389561.14).